The following is an entry in ClinVar:

ClinVar aggregate classification (germline): Benign. Review status: criteria provided, multiple submitters, no conflicts (2 of 4 stars). 2 submissions from 2 submitters: Benign (2). Last evaluated 2018-06-19.

Allele frequency attached by ClinVar (database versions not stated): gnomAD exomes 0.24270; gnomAD 0.27680 and 0.28686; TOPMed 0.31898; 1000 Genomes Project 30x 0.48845; 1000 Genomes Project 0.48848.
gnomAD v4.1: 135,568 of 536,668 alleles (25%); highest among the groups gnomAD compares: East Asian, 67%; 16,634 homozygotes.

Submissions (2):

GeneDx
Classification: Benign. Last evaluated: 2018-06-19. Review status: criteria provided, single submitter. Criteria: GeneDx Variant Classification (06012015). Collection method: clinical testing. Allele origin: germline. Affected: yes.
Comment: This variant is considered likely benign or benign based on one or more of the following criteria: it is a conservative change, it occurs at a poorly conserved position in the protein, it is predicted to be benign by multiple in silico algorithms, and/or has population frequency not consistent with disease.

Breakthrough Genomics
Classification: Benign. Review status: criteria provided, single submitter. Criteria: ACMG Guidelines, 2015. Collection method: not provided. Allele origin: germline. Inheritance: X-linked inheritance. Affected: yes.

NM_003491.4(NAA10):c.471+159A>G

Gene: NAA10 (N-alpha-acetyltransferase 10, NatA catalytic subunit; minus strand). Cytogenetic location: Xq28.
Variant type: single nucleotide variant.
Coding change: c.471+159A>G on transcript NM_003491.4 (MANE Select); 159 bases into the intron after coding-DNA position 471, A replaced by G.
Molecular consequence: intron variant.
Genome position (GRCh38, 1-based): chrX:153,930,604, T>C on the plus strand (A>G on the coding strand, the complement: NAA10 is on the minus strand). VCF-style: chrX-153930604-T-C. GRCh37 (hg19) VCF-style: chrX-153196057-T-C.
Other names: c.453+159A>G (NM_001256120.2); c.426+159A>G (NM_001256119.2).
Identifiers: ClinVar variation 667508 (VCV000667508.2), dbSNP rs2071130, ClinGen allele CA15055620.
Genomic context (GRCh38, chrX:153,930,604, plus strand): 5'-TTCCCTTCTAAAAGCCTCCTCCCTCTGCCTCTCCCATCACCCTCCAGGCTGCTAGGCAGA[T>C]GGCCTCCTCTAAAGCCCAGCCTAGGAAACTGAGGTCGTGACTCCTGGCAACGTAGCCACA-3'